The following is an entry in ClinVar:

NM_003470.3(USP7):c.523-1G>A

Gene: USP7 (ubiquitin specific peptidase 7; minus strand). Cytogenetic location: 16p13.2.
Variant type: single nucleotide variant.
Coding change: c.523-1G>A on transcript NM_003470.3 (MANE Select); the canonical splice acceptor site of the intron before coding-DNA position 523, G replaced by A.
Molecular consequence: splice acceptor variant.
Genome position (GRCh38, 1-based): chr16:8,920,448, C>T on the plus strand (G>A on the coding strand, the complement: USP7 is on the minus strand). VCF-style: chr16-8920448-C-T. GRCh37 (hg19) VCF-style: chr16-9014305-C-T.
Other names: c.349-1G>A (NM_001321858.2); c.475-1G>A (NM_001286457.2); c.226-1G>A (NM_001286458.2).
Identifiers: ClinVar variation 3393543 (VCV003393543.1).

ClinVar aggregate classification (germline): Pathogenic (1 of 4 stars; one submission).

Submission:

GeneDx
Classification: Pathogenic. Last evaluated: 2024-07-02. Review status: criteria provided, single submitter. Criteria: GeneDx Variant Classification Process June 2021. Collection method: clinical testing. Allele origin: germline. Affected: yes.
Comment: Canonical splice site variant predicted to result in a null allele in a gene for which loss of function is a known mechanism of disease; Not observed at significant frequency in large population cohorts (gnomAD); Has not been previously published as pathogenic or benign to our knowledge